The following is an entry in ClinVar:

ClinVar aggregate classification (germline): Uncertain significance (1 of 4 stars; one submission).

Conditions:
Andersen Tawil syndrome (LQT7). Also called: ANDERSEN CARDIODYSRHYTHMIC PERIODIC PARALYSIS; LONG QT SYNDROME 7; PERIODIC PARALYSIS, POTASSIUM-SENSITIVE CARDIODYSRHYTHMIC TYPE; Andersen Syndrome; Potassium-sensitive periodic paralysis, ventricular ectopy, and dysmorphic features. Identifiers: Orphanet 37553, MedGen C1563715, MONDO:0008222, OMIM 170390.
Short QT syndrome type 3. Identifiers: Orphanet 51083, MedGen C1865018, MONDO:0012314, OMIM 609622.

Submission:

Labcorp Genetics (formerly Invitae), Labcorp
Classification: Uncertain significance for Short QT syndrome type 3; Andersen Tawil syndrome. Last evaluated: 2023-12-13. Review status: criteria provided, single submitter. Criteria: Invitae Variant Classification Sherloc (09022015). Collection method: clinical testing. Allele origin: germline.
Comment: This sequence change replaces valine, which is neutral and non-polar, with methionine, which is neutral and non-polar, at codon 48 of the KCNJ2 protein (p.Val48Met). This variant is not present in population databases (gnomAD no frequency). This variant has not been reported in the literature in individuals affected with KCNJ2-related conditions. Advanced modeling of protein sequence and biophysical properties (such as structural, functional, and spatial information, amino acid conservation, physicochemical variation, residue mobility, and thermodynamic stability) performed at Invitae indicates that this missense variant is not expected to disrupt KCNJ2 protein function with a negative predictive value of 80%. In summary, the available evidence is currently insufficient to determine the role of this variant in disease. Therefore, it has been classified as a Variant of Uncertain Significance.

NM_000891.3(KCNJ2):c.142G>A (p.Val48Met)

Gene: KCNJ2 (potassium inwardly rectifying channel subfamily J member 2; plus strand). Cytogenetic location: 17q24.3.
Variant type: single nucleotide variant.
Coding change: c.142G>A on transcript NM_000891.3 (MANE Select); coding-DNA position 142, G replaced by A.
Protein change: p.Val48Met; replaces valine 48 with methionine.
Molecular consequence: missense variant.
Genome position (GRCh38, 1-based): chr17:70,175,181, G>A. VCF-style: chr17-70175181-G-A. GRCh37 (hg19) VCF-style: chr17-68171322-G-A.
Other names: short protein forms V48M.
Identifiers: ClinVar variation 2944046 (VCV002944046.3), dbSNP rs2509920826, ClinGen allele CA400859955.
Genomic context (GRCh38, chr17:70,175,181, plus strand): 5'-AATGGCTTTGGGAACGGGAAGAGTAAAGTCCACACCCGACAACAGTGCAGGAGCCGCTTT[G>A]TGAAGAAAGATGGCCACTGTAATGTTCAGTTCATCAATGTGGGTGAGAAGGGGCAACGGT-3'
Protein context (NP_000882.1, residues 38-58): HTRQQCRSRF[Val48Met]KKDGHCNVQF